The following is an entry in ClinVar:

ClinVar aggregate classification (germline): Benign. Review status: criteria provided, multiple submitters, no conflicts (2 of 4 stars). 6 submissions from 6 submitters: Benign (6). Last evaluated 2026-02-03.

Allele frequency attached by ClinVar (database versions not stated): ESP Exome Variant Server 0.08804; 1000 Genomes Project 30x 0.10868; gnomAD exomes 0.06835; ExAC 0.06921; gnomAD 0.08341 and 0.08425; 1000 Genomes Project 0.11142; TOPMed 0.09338.
gnomAD v4.1: 107,290 of 1,614,094 alleles (6.6%); highest among the groups gnomAD compares: African/African-American, 15%; 4,024 homozygotes.

Submissions (6):

Labcorp Genetics (formerly Invitae), Labcorp
Classification: Benign. Last evaluated: 2026-02-03. Review status: criteria provided, single submitter. Criteria: Invitae Variant Classification Sherloc (09022015). Collection method: clinical testing. Allele origin: germline.

Mayo Clinic Laboratories, Mayo Clinic
Classification: Benign. Last evaluated: 2022-04-29. Review status: criteria provided, single submitter. Criteria: ACMG Guidelines, 2015. Collection method: clinical testing. Allele origin: germline. Observed: 111 variant alleles.

GeneDx
Classification: Benign. Last evaluated: 2017-05-09. Review status: criteria provided, single submitter. Criteria: GeneDx Variant Classification (06012015). Collection method: clinical testing. Allele origin: germline. Affected: yes.
Comment: This variant is considered likely benign or benign based on one or more of the following criteria: it is a conservative change, it occurs at a poorly conserved position in the protein, it is predicted to be benign by multiple in silico algorithms, and/or has population frequency not consistent with disease.

Laboratory for Molecular Medicine, Mass General Brigham Personalized Medicine
Classification: Benign. Last evaluated: 2012-05-07. Review status: criteria provided, single submitter. Criteria: LMM Criteria. Collection method: clinical testing. Allele origin: germline. Observed: 94 variant alleles.
Comment: "Leu356Leu in Exon 08 of TJP2: This variant is not expected to have clinical sig nificance because it does not alter an amino acid residue, is not located within the splice consensus sequence, and has been identified in 14.1% (528/3738) of A frican American chromosomes from a broad population by the NHLBI Exome Sequencin g Project (dbSNP rs17062695)."

Breakthrough Genomics
Classification: Benign. Review status: criteria provided, single submitter. Criteria: ACMG Guidelines, 2015. Collection method: not provided. Allele origin: germline. Inheritance: Autosomal recessive inheritance. Affected: yes.

PreventionGenetics, part of Exact Sciences
Classification: Benign. Review status: criteria provided, single submitter. Criteria: ACMG Guidelines, 2015. Collection method: clinical testing. Allele origin: germline.

NM_004817.4(TJP2):c.1137A>G (p.Leu379=)

Gene: TJP2 (tight junction protein 2; plus strand). Cytogenetic location: 9q21.11.
Variant type: single nucleotide variant.
Coding change: c.1137A>G on transcript NM_004817.4 (MANE Select); coding-DNA position 1137, A replaced by G.
Protein change: p.Leu379=; no amino-acid change (leucine 379 retained).
Molecular consequence: synonymous variant.
Genome position (GRCh38, 1-based): chr9:69,226,102, A>G. VCF-style: chr9-69226102-A-G. GRCh37 (hg19) VCF-style: chr9-71841018-A-G.
Other names: p.Leu379=; c.1149A>G, p.Leu383= (NM_001170415.1, NM_001369874.1, NM_001369875.1); c.1230A>G, p.Leu410= (NM_001170416.2); c.1068A>G, p.Leu356= (NM_001369870.1, NM_001369871.1, NM_001170414.2); c.1137A>G, p.Leu379= (NM_001369872.1, NM_001369873.1, NM_201629.3).
Identifiers: ClinVar variation 44090 (VCV000044090.15), dbSNP rs17062695, ClinGen allele CA133537.